The following is an entry in ClinVar:

NM_000051.4(ATM):c.7432GAA[1] (p.Glu2479del)

Genes: ATM (ATM serine/threonine kinase; plus strand), C11orf65 (chromosome 11 open reading frame 65; minus strand). Cytogenetic location: 11q22.3.
Variant type: Microsatellite.
Coding change: c.7432GAA[1] on transcript NM_000051.4 (MANE Select); one copy of the 3-base unit GAA starting at c.7432; the reference has two copies in a row; one copy, 3 bases deleted.
Protein change: p.Glu2479del; deletes glutamic acid 2479.
Molecular consequence: inframe deletion. On other transcripts: inframe indel (1), intron variant (2).
Genome position (GRCh38, 1-based): chr11:108,330,341-108,330,343, GAA deleted; deleting any 3 consecutive bases within chr11:108,330,337-108,330,343 gives the same sequence; the position shown is the placement nearest the transcript's 3' end. VCF-style (leftmost placement, unchanged base first): chr11-108330336-GAGA-G. GRCh37 (hg19) VCF-style: chr11-108201063-GAGA-G.
Other names: c.7435_7437delGAA (NM_000051.3); c.7432GAA[1], p.Glu2479del (NM_001351834.2); c.641-21268_641-21266del (NM_001330368.2); c.*38+4881_*38+4883del (NM_001351110.2); short protein forms E2479del.
Identifiers: ClinVar variation 3222892 (VCV003222892.1), dbSNP rs2547263037, ClinGen allele CA2825001954.

ClinVar aggregate classification (germline): Uncertain significance (1 of 4 stars; one submission).

Conditions:
Hereditary cancer-predisposing syndrome. Also called: Tumor predisposition; Hereditary Cancer Syndrome; Hereditary neoplastic syndrome; Neoplastic Syndromes, Hereditary. Identifiers: Orphanet 140162, MedGen C0027672, MeSH D009386, MONDO:0015356.

Submission:

Ambry Genetics
Classification: Uncertain significance for Hereditary cancer-predisposing syndrome. Last evaluated: 2023-09-27. Review status: criteria provided, single submitter. Criteria: Ambry Variant Classification Scheme 2023. Collection method: clinical testing. Allele origin: germline.
Comment: The c.7435_7437delGAA variant (also known as p.E2479del) is located in coding exon 49 of the ATM gene. This variant results from an in-frame GAA deletion at nucleotide positions 7435 to 7437. This results in the in-frame deletion of a glutamic acid at codon 2479. This amino acid position is not well conserved in available vertebrate species. In addition, this alteration is predicted to be deleterious by in silico analysis (Choi Y et al. PLoS ONE. 2012; 7(10):e46688). Since supporting evidence is limited at this time, the clinical significance of this alteration remains unclear.